The following is an entry in ClinVar:

ClinVar aggregate classification (germline): Likely pathogenic (0 of 4 stars; one submission).

Conditions:
FMO3-related disorder. Also called: FMO3-related condition.

Submission:

PreventionGenetics, part of Exact Sciences
Classification: Likely pathogenic for FMO3-related condition. Last evaluated: 2024-03-26. Review status: no assertion criteria provided. Collection method: clinical testing. Allele origin: germline.
Comment: The FMO3 c.877_878delCT variant is predicted to result in a frameshift and premature protein termination (p.Leu293Valfs*9). To our knowledge, this variant has not been reported in the literature or in a large population database, indicating this variant is rare. Frameshift variants in FMO3 are expected to be pathogenic. This variant is interpreted as likely pathogenic.

NM_001002294.3(FMO3):c.877_878del (p.Leu293fs)

Gene: FMO3 (flavin containing dimethylaniline monoxygenase 3; plus strand). Cytogenetic location: 1q24.3.
Variant type: Deletion.
Coding change: c.877_878del on transcript NM_001002294.3 (MANE Select); coding-DNA positions 877 to 878, 2 bases deleted (CT; older notation c.877_878delCT).
Protein change: p.Leu293fs; shifts the reading frame from leucine 293.
Molecular consequence: frameshift variant.
Genome position (GRCh38, 1-based): chr1:171,114,056-171,114,057, CT deleted; deleting any 2 consecutive bases within chr1:171,114,055-171,114,057 gives the same sequence; the c. name uses the placement nearest the transcript's 3' end. VCF-style (leftmost placement, unchanged base first): chr1-171114054-TTC-T. GRCh37 (hg19) VCF-style: chr1-171083194-TTC-T.
Other names: c.817_818del, p.Leu273fs (NM_001319173.2); c.688_689del, p.Leu230fs (NM_001319174.2); c.877_878del, p.Leu293fs (NM_006894.6); short protein forms L230fs, L273fs, L293fs.
Identifiers: ClinVar variation 3348369 (VCV003348369.1).